The following is an entry in ClinVar:

ClinVar aggregate classification (germline): Uncertain significance. Review status: criteria provided, multiple submitters, no conflicts (2 of 4 stars). 2 submissions from 2 submitters: Uncertain significance (2). Last evaluated 2026-01-21.

Conditions:
Progressive familial heart block type IB (PFHB1B). Identifiers: Orphanet 871, MedGen C1970298, MONDO:0011474, OMIM 604559.
Cardiovascular phenotype. Identifiers: MedGen CN230736.

Allele frequency attached by ClinVar (database versions not stated): ExAC 0.00003; 1000 Genomes Project 30x 0.00016; 1000 Genomes Project 0.00020.

Submissions (2):

Labcorp Genetics (formerly Invitae), Labcorp
Classification: Uncertain significance for Progressive familial heart block type IB. Last evaluated: 2026-01-21. Review status: criteria provided, single submitter. Criteria: Invitae Variant Classification Sherloc (09022015). Collection method: clinical testing. Allele origin: germline.
Comment: This sequence change replaces arginine, which is basic and polar, with histidine, which is basic and polar, at codon 140 of the TRPM4 protein (p.Arg140His). This variant is present in population databases (rs143440348, gnomAD 0.007%). This variant has not been reported in the literature in individuals affected with TRPM4-related conditions. ClinVar contains an entry for this variant (Variation ID: 1980484). An algorithm developed to predict the effect of missense changes on protein structure and function (PolyPhen-2) suggests that this variant is likely to be tolerated. In summary, the available evidence is currently insufficient to determine the role of this variant in disease. Therefore, it has been classified as a Variant of Uncertain Significance.

Ambry Genetics
Classification: Uncertain significance for Cardiovascular phenotype. Last evaluated: 2025-06-16. Review status: criteria provided, single submitter. Criteria: Ambry Variant Classification Scheme 2023. Collection method: clinical testing. Allele origin: germline.
Comment: The p.R140H variant (also known as c.419G>A), located in coding exon 4 of the TRPM4 gene, results from a G to A substitution at nucleotide position 419. The arginine at codon 140 is replaced by histidine, an amino acid with highly similar properties. This amino acid position is conserved. In addition, this alteration is predicted to be tolerated by in silico analysis. Based on the available evidence, the clinical significance of this variant remains unclear.

NM_017636.4(TRPM4):c.419G>A (p.Arg140His)

Gene: TRPM4 (transient receptor potential cation channel subfamily M member 4; plus strand). Cytogenetic location: 19q13.33.
Variant type: single nucleotide variant.
Coding change: c.419G>A on transcript NM_017636.4 (MANE Select); coding-DNA position 419, G replaced by A.
Protein change: p.Arg140His; replaces arginine 140 with histidine.
Molecular consequence: missense variant. On other transcripts: intron variant (4).
Genome position (GRCh38, 1-based): chr19:49,168,068, G>A. VCF-style: chr19-49168068-G-A. GRCh37 (hg19) VCF-style: chr19-49671325-G-A.
Other names: c.419G>A (NM_017636.3); c.419G>A, p.Arg140His (NM_001195227.2); c.-1105-192G>A (NM_001321282.2); c.268-485G>A (NM_001321281.2); c.-74-192G>A (NM_001321283.2); c.-237-485G>A (NM_001321285.2); short protein forms R140H.
Identifiers: ClinVar variation 1980484 (VCV001980484.5), dbSNP rs143440348, ClinGen allele CA9568810.
Genomic context (GRCh38, chr19:49,168,068, plus strand): 5'-CAGTGCTGGGGGGATCGGGGGGCCCCGTCCTCCAGACCTGGCTGCAGGACCTGCTGCGTC[G>A]TGGGCTGGTGCGGGCTGCCCAGAGCACAGGTGACCGAGGGTGGGTGGGGGCTGTCTCCTG-3'
Protein context (NP_060106.2, residues 130-150): LQTWLQDLLR[Arg140His]GLVRAAQSTG